The following is an entry in ClinVar:

ClinVar aggregate classification (germline): Uncertain significance. Review status: criteria provided, multiple submitters, no conflicts (2 of 4 stars). 3 submissions from 3 submitters: Uncertain significance (3). Last evaluated 2025-11-04.

Conditions:
Inborn genetic diseases. Identifiers: MedGen C0950123, MeSH D030342.
Charcot-Marie-Tooth disease type 2. Also called: Charcot-Marie-Tooth type 2. Identifiers: Orphanet 64746, MedGen C0270914, MONDO:0018993.

Allele frequency attached by ClinVar (database versions not stated): ExAC 0.00004; gnomAD exomes 0.00003; gnomAD 0.00003; TOPMed 0.00006; ESP Exome Variant Server 0.00008.
gnomAD v4.1: 110 of 1,613,866 alleles (0.0068%); highest among the groups gnomAD compares: South Asian, 0.012%; 1 homozygote.

Submissions (3):

Labcorp Genetics (formerly Invitae), Labcorp
Classification: Uncertain significance for Charcot-Marie-Tooth disease type 2. Last evaluated: 2025-11-04. Review status: criteria provided, single submitter. Criteria: Invitae Variant Classification Sherloc (09022015). Collection method: clinical testing. Allele origin: germline.
Comment: This sequence change replaces tyrosine, which is neutral and polar, with cysteine, which is neutral and slightly polar, at codon 415 of the AARS protein (p.Tyr415Cys). This variant is present in population databases (rs373069396, gnomAD 0.01%), including at least one homozygous and/or hemizygous individual. This variant has not been reported in the literature in individuals affected with AARS-related conditions. ClinVar contains an entry for this variant (Variation ID: 387319). Invitae Evidence Modeling of protein sequence and biophysical properties (such as structural, functional, and spatial information, amino acid conservation, physicochemical variation, residue mobility, and thermodynamic stability) has been performed for this missense variant. However, the output from this modeling did not meet the statistical confidence thresholds required to predict the impact of this variant on AARS protein function. In summary, the available evidence is currently insufficient to determine the role of this variant in disease. Therefore, it has been classified as a Variant of Uncertain Significance.

Ambry Genetics
Classification: Uncertain significance for Inborn genetic diseases. Last evaluated: 2025-04-04. Review status: criteria provided, single submitter. Criteria: Ambry Variant Classification Scheme 2023. Collection method: clinical testing. Allele origin: germline.

GeneDx
Classification: Uncertain significance. Last evaluated: 2020-01-22. Review status: criteria provided, single submitter. Criteria: GeneDx Variant Classification Process June 2021. Collection method: clinical testing. Allele origin: germline. Affected: yes.
Comment: In silico analysis, which includes protein predictors and evolutionary conservation, supports a deleterious effect; Has not been previously published as pathogenic or benign to our knowledge

NM_001605.3(AARS1):c.1244A>G (p.Tyr415Cys)

Gene: AARS1 (alanyl-tRNA synthetase 1; minus strand). Cytogenetic location: 16q22.1.
Variant type: single nucleotide variant.
Coding change: c.1244A>G on transcript NM_001605.3 (MANE Select); coding-DNA position 1244, A replaced by G.
Protein change: p.Tyr415Cys; replaces tyrosine 415 with cysteine.
Molecular consequence: missense variant.
Genome position (GRCh38, 1-based): chr16:70,265,641, T>C on the plus strand (A>G on the coding strand, the complement: AARS1 is on the minus strand). VCF-style: chr16-70265641-T-C. GRCh37 (hg19) VCF-style: chr16-70299544-T-C.
Other names: short protein forms Y415C.
Identifiers: ClinVar variation 387319 (VCV000387319.14), dbSNP rs373069396, ClinGen allele CA8140866.